The following is an entry in ClinVar:

ClinVar aggregate classification (germline): Uncertain significance (1 of 4 stars; one submission).

Conditions:
Immunodeficiency. Identifiers: MedGen C0021051, MONDO:0021094, HP:0002721.

Submission:

Labcorp Genetics (formerly Invitae), Labcorp
Classification: Uncertain significance for Immunodeficiency. Last evaluated: 2023-08-31. Review status: criteria provided, single submitter. Criteria: Invitae Variant Classification Sherloc (09022015). Collection method: clinical testing. Allele origin: germline.
Comment: In summary, the available evidence is currently insufficient to determine the role of this variant in disease. Therefore, it has been classified as a Variant of Uncertain Significance. This variant has not been reported in the literature in individuals affected with NFAT5-related conditions. This variant is present in population databases (rs760968027, gnomAD 0.0009%). This variant, c.2430_2432dup, results in the insertion of 1 amino acid(s) of the NFAT5 protein (p.Gln812dup), but otherwise preserves the integrity of the reading frame.

NM_138713.4(NFAT5):c.2712_2714dup (p.Gln906_Val907insGln)

Gene: NFAT5 (nuclear factor of activated T cells 5; plus strand). Cytogenetic location: 16q22.1.
Variant type: Duplication.
Coding change: c.2712_2714dup on transcript NM_138713.4 (MANE Select); coding-DNA positions 2712 to 2714, 3 bases duplicated (ACA; older notation c.2712_2714dupACA).
Protein change: p.Gln906_Val907insGln.
Molecular consequence: inframe insertion.
Genome position (GRCh38, 1-based): chr16:69,692,537-69,692,539, ACA duplicated; duplicating any 3 consecutive bases within chr16:69,692,535-69,692,539 gives the same sequence; the c. name uses the placement nearest the transcript's 3' end. VCF-style (leftmost placement, unchanged base first): chr16-69692534-G-GCAA. GRCh37 (hg19) VCF-style: chr16-69726437-G-GCAA.
Other names: c.2709_2711dup, p.Gln905_Val906insGln (NM_001113178.3); c.2037_2039dup, p.Gln681_Val682insGln (NM_001367709.1); c.2658_2660dup, p.Gln888_Val889insGln (NM_006599.4); c.2430_2432dup, p.Gln812_Val813insGln (NM_138714.4, NM_173214.3, NM_173215.3).
Identifiers: ClinVar variation 2889988 (VCV002889988.3), dbSNP rs760968027, ClinGen allele CA8135798.